The following is an entry in ClinVar:

ClinVar aggregate classification (germline): Uncertain significance (1 of 4 stars; one submission).

gnomAD v4.1: 1 of 1,614,144 alleles (0.000062%); highest among the groups gnomAD compares: Non-Finnish European, 0.000085%; no homozygotes.

Submission:

Labcorp Genetics (formerly Invitae), Labcorp
Classification: Uncertain significance. Last evaluated: 2025-02-06. Review status: criteria provided, single submitter. Criteria: Invitae Variant Classification Sherloc (09022015). Collection method: clinical testing. Allele origin: germline.
Comment: This sequence change replaces arginine, which is basic and polar, with histidine, which is basic and polar, at codon 243 of the TGFB1 protein (p.Arg243His). The frequency data for this variant in the population databases is considered unreliable, as metrics indicate poor data quality at this position in the gnomAD database. This variant has not been reported in the literature in individuals affected with TGFB1-related conditions. An algorithm developed to predict the effect of missense changes on protein structure and function (PolyPhen-2) suggests that this variant is likely to be disruptive. In summary, the available evidence is currently insufficient to determine the role of this variant in disease. Therefore, it has been classified as a Variant of Uncertain Significance.

NM_000660.7(TGFB1):c.728G>A (p.Arg243His)

Gene: TGFB1 (transforming growth factor beta 1; minus strand). Cytogenetic location: 19q13.2.
Variant type: single nucleotide variant.
Coding change: c.728G>A on transcript NM_000660.7 (MANE Select); coding-DNA position 728, G replaced by A.
Protein change: p.Arg243His; replaces arginine 243 with histidine.
Molecular consequence: missense variant.
Genome position (GRCh38, 1-based): chr19:41,342,015, C>T on the plus strand (G>A on the coding strand, the complement: TGFB1 is on the minus strand). VCF-style: chr19-41342015-C-T. GRCh37 (hg19) VCF-style: chr19-41847920-C-T.
Other names: short protein forms R243H.
Identifiers: ClinVar variation 4764325 (VCV004764325.1).